The following is an entry in ClinVar:

NM_017777.4(MKS1):c.17G>A (p.Trp6Ter)

Genes: MKS1 (MKS transition zone complex subunit 1; minus strand), LOC130061271 (ATAC-STARR-seq lymphoblastoid active region 12461; plus strand). Cytogenetic location: 17q22.
Variant type: single nucleotide variant.
Coding change: c.17G>A on transcript NM_017777.4 (MANE Select); coding-DNA position 17, G replaced by A.
Protein change: p.Trp6Ter; replaces tryptophan 6 with a stop codon.
Molecular consequence: nonsense. On other transcripts: 5 prime UTR variant (1).
Genome position (GRCh38, 1-based): chr17:58,219,214, C>T on the plus strand (G>A on the coding strand, the complement: MKS1 is on the minus strand). VCF-style: chr17-58219214-C-T. GRCh37 (hg19) VCF-style: chr17-56296575-C-T.
Other names: c.-495G>A (NM_001321268.2); c.17G>A, p.Trp6Ter (NM_001321269.2, NM_001330397.2, NM_001411113.1); short protein forms W6*.
Identifiers: ClinVar variation 2115872 (VCV002115872.4), dbSNP rs2509469673, ClinGen allele CA400328229.

ClinVar aggregate classification (germline): Pathogenic (1 of 4 stars; one submission).

Conditions:
Joubert syndrome. Also called: CEREBELLOPARENCHYMAL DISORDER IV; JOUBERT-BOLTSHAUSER SYNDROME; Familial aplasia of the vermis. Identifiers: Orphanet 475, MedGen C5979921, MONDO:0018772.
Meckel-Gruber syndrome. Also called: DYSENCEPHALIA SPLANCHNOCYSTICA; GRUBER SYNDROME; Dysencephalia splachnocystica. Identifiers: Orphanet 564, MedGen C0265215, MONDO:0018921.

Submission:

Labcorp Genetics (formerly Invitae), Labcorp
Classification: Pathogenic for Joubert syndrome; Meckel-Gruber syndrome. Last evaluated: 2022-03-29. Review status: criteria provided, single submitter. Criteria: Invitae Variant Classification Sherloc (09022015). Collection method: clinical testing. Allele origin: germline.
Comment: For these reasons, this variant has been classified as Pathogenic. This variant has not been reported in the literature in individuals affected with MKS1-related conditions. This variant is not present in population databases (gnomAD no frequency). This sequence change creates a premature translational stop signal (p.Trp6*) in the MKS1 gene. It is expected to result in an absent or disrupted protein product. Loss-of-function variants in MKS1 are known to be pathogenic (PMID: 19466712, 24886560, 26490104).

Literature cited by the submitters: PubMed 19466712; PubMed 24886560; PubMed 26490104.